The following is an entry in ClinVar:

NM_000179.3(MSH6):c.3390G>C (p.Val1130=)

Gene: MSH6 (mutS homolog 6; plus strand). Cytogenetic location: 2p16.3.
Variant type: single nucleotide variant.
Coding change: c.3390G>C on transcript NM_000179.3 (MANE Select); coding-DNA position 3390, G replaced by C.
Protein change: p.Val1130=; no amino-acid change (valine 1130 retained).
Molecular consequence: synonymous variant.
Genome position (GRCh38, 1-based): chr2:47,803,637, G>C. VCF-style: chr2-47803637-G-C. GRCh37 (hg19) VCF-style: chr2-48030776-G-C.
Other names: c.3000G>C, p.Val1000= (NM_001281492.2); c.2484G>C, p.Val828= (NM_001281493.2, NM_001281494.2).
Identifiers: ClinVar variation 823712 (VCV000823712.10), dbSNP rs1572735980, ClinGen allele CA346758846.

ClinVar aggregate classification (germline): Benign/Likely benign. Review status: criteria provided, multiple submitters, no conflicts (2 of 4 stars). 3 submissions from 3 submitters: Benign (1); Likely benign (2). Last evaluated 2025-01-06.

Conditions:
Hereditary cancer-predisposing syndrome. Also called: Neoplastic Syndromes, Hereditary; Tumor predisposition; Hereditary neoplastic syndrome; Hereditary Cancer Syndrome. Identifiers: Orphanet 140162, MedGen C0027672, MeSH D009386, MONDO:0015356.
Lynch syndrome 5 (LYNCH5). Also called: Colorectal cancer, hereditary nonpolyposis, type 5; Hereditary non-polyposis colorectal cancer, type 5. Identifiers: Orphanet 144, MedGen C1833477, MONDO:0013710, OMIM 614350. Disease mechanism: loss of function.
Hereditary nonpolyposis colorectal neoplasms. Identifiers: MedGen C0009405, MeSH D003123.

Submissions (3):

Myriad Genetics, Inc.
Classification: Benign for Lynch syndrome 5. Last evaluated: 2025-01-06. Review status: criteria provided, single submitter. Criteria: Myriad Autosomal Dominant, Autosomal Recessive and X-Linked Classification Criteria (2023). Collection method: clinical testing. Allele origin: unknown.
Comment: This variant is considered benign. This variant is a silent/synonymous amino acid change and it is not expected to impact splicing.

Labcorp Genetics (formerly Invitae), Labcorp
Classification: Likely benign for Hereditary nonpolyposis colorectal neoplasms. Last evaluated: 2022-04-29. Review status: criteria provided, single submitter. Criteria: Invitae Variant Classification Sherloc (09022015). Collection method: clinical testing. Allele origin: germline.

Ambry Genetics
Classification: Likely benign for Hereditary cancer-predisposing syndrome. Last evaluated: 2018-04-03. Review status: criteria provided, single submitter. Criteria: Ambry Variant Classification Scheme 2023. Collection method: clinical testing. Allele origin: germline.